The following is an entry in ClinVar:

ClinVar aggregate classification (germline): Pathogenic (1 of 4 stars; one submission).

Conditions:
Intellectual developmental disorder, autosomal dominant 22. Also called: Intellectual disability, autosomal dominant 22. Identifiers: MedGen CN029689, MONDO:0012869, OMIM 612337.

Submission:

Broad Center for Mendelian Genomics, Broad Institute of MIT and Harvard
Classification: Pathogenic for Intellectual developmental disorder, autosomal dominant 22. Last evaluated: 2023-08-24. Review status: criteria provided, single submitter. Criteria: ACMG/ClinGen CNV Guidelines, 2019. Collection method: research. Allele origin: de novo. Inheritance: Autosomal dominant inheritance. Affected: yes.
Comment: The presence of this deletion was validated by FISH. The breakpoints have been estimated by exome sequencing only and therefore may not reflect the true breakpoints. The patient phenotype is nonspecific, but is consistent with cases described in the literature and/or published databases with overlapping variants. There is complete overlap with ZBTB18 gene which is known to be haploinsufficient and has been assessed by the ClinGen Dosage Sensitivity Working Group. There is also complete overlap with the HNRNPU gene which has evidence supporting haploinsufficiency, but has not yet been curated by the ClinGen dosage sensitivity group (PMID: 33874999, 32319732). In summary, the 1q43-q44 deletion meets criteria to be classified as pathogenic. The ACMG/ClinGen evidence codes and points used in this curation are as follows: 1: 0 points, 2: 1.00 points, 3: 0.45 points, 4-5: 0.15 points; Total: 1.60 points; Riggs 2020 (PMID: 3169083).

Literature cited by the submitters: PubMed 33874999; PubMed 32319732.

GRCh38/hg38 1q43-44(chr1:243221458-248919110)x1

Genes: LYPD8 (LY6/PLAUR domain containing 8; minus strand), MIR3124 (microRNA 3124; plus strand), MIR3916 (microRNA 3916; minus strand), MIR4677 (microRNA 4677; plus strand), NLRP3 (NLR family pyrin domain containing 3; plus strand) and 233 more. Cytogenetic location: 1q43-44.
Variant type: copy number loss.
Change: copy number 1 (one copy instead of two) of chr1:243,221,458-248,919,110 (5.70 Mb, GRCh38 coordinates, 1-based), cytogenetic band 1q43-44.
Identifiers: ClinVar variation 2579272 (VCV002579272.1).